The following is an entry in ClinVar:

ClinVar aggregate classification (germline): Benign/Likely benign. Review status: criteria provided, multiple submitters, no conflicts (2 of 4 stars). 10 submissions from 10 submitters: Benign (1); Likely benign (9). Last evaluated 2026-07-15.

Conditions:
CHEK2-related disorder.
Hereditary nonpolyposis colon cancer (HNPCC). Also called: Hereditary nonpolyposis colorectal cancer; Familial nonpolyposis colon cancer; Hereditary Nonpolyposis Colorectal Cancer Syndrome. Identifiers: Orphanet 443909, MedGen C1333990, MONDO:0018630. Disease mechanism: loss of function.
Hereditary cancer-predisposing syndrome. Also called: Neoplastic Syndromes, Hereditary; Tumor predisposition; Hereditary Cancer Syndrome; Hereditary neoplastic syndrome. Identifiers: Orphanet 140162, MedGen C0027672, MeSH D009386, MONDO:0015356.
Familial cancer of breast. Also called: hereditary breast carcinoma; BREAST CANCER, FAMILIAL; Hereditary breast cancer. Identifiers: Orphanet 227535, MedGen C0346153, MONDO:0016419, OMIM 114480. Disease mechanism: loss of function.

Allele frequency attached by ClinVar (database versions not stated): gnomAD exomes below 0.00001 and 0.00001; ExAC 0.00001; gnomAD 0.00001; TOPMed 0.00001; 1000 Genomes Project 0.00020; 1000 Genomes Project 30x 0.00031.
gnomAD v4.1: 2 of 1,614,098 alleles (0.00012%); highest among the groups gnomAD compares: East Asian, 0.0045%; no homozygotes.

Submissions (10):

PreventionGenetics, part of Exact Sciences
Classification: Likely benign for CHEK2-related condition. Last evaluated: 2026-07-15. Review status: criteria provided, single submitter. Criteria: ACMG Guidelines, 2015. Collection method: clinical testing. Allele origin: germline.
Comment: This variant is classified as likely benign based on ACMG/AMP sequence variant interpretation guidelines (Richards et al. 2015 PMID: 25741868, with internal and published modifications).

Labcorp Genetics (formerly Invitae), Labcorp
Classification: Likely benign for Familial cancer of breast. Last evaluated: 2025-12-28. Review status: criteria provided, single submitter. Criteria: Invitae Variant Classification Sherloc (09022015). Collection method: clinical testing. Allele origin: germline.

Quest Diagnostics Nichols Institute San Juan Capistrano
Classification: Likely benign. Last evaluated: 2025-08-29. Review status: criteria provided, single submitter. Criteria: Quest Diagnostics criteria. Collection method: clinical testing. Allele origin: unknown.

Center for Genomic Medicine, Rigshospitalet, Copenhagen University Hospital
Classification: Likely benign. Last evaluated: 2025-03-04. Review status: criteria provided, single submitter. Criteria: ACMG Guidelines, 2015. Collection method: clinical testing. Allele origin: germline.

Myriad Genetics, Inc.
Classification: Benign for Familial cancer of breast. Last evaluated: 2024-10-02. Review status: criteria provided, single submitter. Criteria: Myriad Autosomal Dominant, Autosomal Recessive and X-Linked Classification Criteria (2023). Collection method: clinical testing. Allele origin: unknown.
Comment: This variant is considered benign. This variant is a silent/synonymous amino acid change and it is not expected to impact splicing.

GeneDx
Classification: Likely benign. Last evaluated: 2019-12-01. Review status: criteria provided, single submitter. Criteria: GeneDx Variant Classification Process June 2021. Collection method: clinical testing. Allele origin: germline. Affected: yes.
Comment: This variant is associated with the following publications: (PMID: 26787654)

Department of Pathology and Laboratory Medicine, Sinai Health System
Classification: Likely benign for hereditary nonpolyposis colon cancer. Last evaluated: 2019-10-08. Review status: criteria provided, single submitter. Criteria: ACMG Guidelines, 2015. Collection method: clinical testing. Allele origin: germline. Affected: yes.

Women's Health and Genetics/Laboratory Corporation of America, LabCorp
Classification: Likely benign. Last evaluated: 2019-08-28. Review status: criteria provided, single submitter. Criteria: LabCorp Variant Classification Summary - May 2015. Collection method: clinical testing. Allele origin: germline.

Color Diagnostics, LLC DBA Color Health
Classification: Likely benign for Hereditary cancer-predisposing syndrome. Last evaluated: 2018-10-19. Review status: criteria provided, single submitter. Criteria: ACMG Guidelines, 2015. Collection method: clinical testing. Allele origin: germline.

Ambry Genetics
Classification: Likely benign for Hereditary cancer-predisposing syndrome. Last evaluated: 2015-01-21. Review status: criteria provided, single submitter. Criteria: Ambry Variant Classification Scheme 2023. Collection method: clinical testing. Allele origin: germline.

Literature cited by the submitters: PubMed 26787654 (cited by Quest Diagnostics Nichols Institute San Juan Capistrano and Department of Pathology and Laboratory Medicine, Sinai Health System).

NM_007194.4(CHEK2):c.381A>G (p.Glu127=)

Gene: CHEK2 (checkpoint kinase 2; minus strand). Cytogenetic location: 22q12.1.
Variant type: single nucleotide variant.
Coding change: c.381A>G on transcript NM_007194.4 (MANE Select); coding-DNA position 381, A replaced by G.
Protein change: p.Glu127=; no amino-acid change (glutamic acid 127 retained).
Molecular consequence: synonymous variant.
Genome position (GRCh38, 1-based): chr22:28,725,306, T>C on the plus strand (A>G on the coding strand, the complement: CHEK2 is on the minus strand). VCF-style: chr22-28725306-T-C. GRCh37 (hg19) VCF-style: chr22-29121294-T-C.
Other names: c.510A>G, p.Glu170= (NM_001005735.3); c.-397A>G (NM_001257387.3); c.381A>G, p.Glu127= (NM_001349956.3, NM_145862.3).
Identifiers: ClinVar variation 230268 (VCV000230268.29), dbSNP rs199929178, ClinGen allele CA10168011.